The following is an entry in ClinVar:

ClinVar aggregate classification (germline): Uncertain significance (1 of 4 stars; one submission).

Conditions:
Hereditary spastic paraplegia 30. Identifiers: Orphanet 101010, MedGen C5235139, MONDO:0012476.
Neuropathy, hereditary sensory, type 2C. Also called: KIF1A-Related HSAN2 (HSAN2C); Hereditary sensory and autonomic neuropathy type IIC. Identifiers: Orphanet 970, MedGen C3280168, MONDO:0013634, OMIM 614213.
Intellectual disability, autosomal dominant 9 (NESCAVS). Also called: KIF1A-Related Neurodevelopmental Disorder; NESCAV SYNDROME. Identifiers: Orphanet 662367, MedGen C5393830, MONDO:0013656, OMIM 614255.

Allele frequency attached by ClinVar (database versions not stated): gnomAD exomes below 0.00001; TOPMed 0.00002.
gnomAD v4.1: 6 of 1,612,498 alleles (0.00037%); highest among the groups gnomAD compares: Non-Finnish European, 0.00051%; no homozygotes.

Submission:

Labcorp Genetics (formerly Invitae), Labcorp
Classification: Uncertain significance for Hereditary spastic paraplegia 30; Neuropathy, hereditary sensory, type 2C; Intellectual disability, autosomal dominant 9. Last evaluated: 2021-05-01. Review status: criteria provided, single submitter. Criteria: Invitae Variant Classification Sherloc (09022015). Collection method: clinical testing. Allele origin: germline.
Comment: This sequence change replaces arginine with cysteine at codon 1601 of the KIF1A protein (p.Arg1601Cys). The arginine residue is highly conserved and there is a large physicochemical difference between arginine and cysteine. In summary, the available evidence is currently insufficient to determine the role of this variant in disease. Therefore, it has been classified as a Variant of Uncertain Significance. Algorithms developed to predict the effect of sequence changes on RNA splicing suggest that this variant may create or strengthen a splice site, but this prediction has not been confirmed by published transcriptional studies. Algorithms developed to predict the effect of missense changes on protein structure and function are either unavailable or do not agree on the potential impact of this missense change (SIFT: "Deleterious"; PolyPhen-2: "Probably Damaging"; Align-GVGD: "Class C0"). This variant has not been reported in the literature in individuals with KIF1A-related conditions. This variant is not present in population databases (ExAC no frequency).

NM_001244008.2(KIF1A):c.5104C>T (p.Arg1702Cys)

Gene: KIF1A (kinesin family member 1A; minus strand). Cytogenetic location: 2q37.3.
Variant type: single nucleotide variant.
Coding change: c.5104C>T on transcript NM_001244008.2 (MANE Select); coding-DNA position 5104, C replaced by T.
Protein change: p.Arg1702Cys; replaces arginine 1702 with cysteine.
Molecular consequence: missense variant.
Genome position (GRCh38, 1-based): chr2:240,719,116, G>A on the plus strand (C>T on the coding strand, the complement: KIF1A is on the minus strand). VCF-style: chr2-240719116-G-A. GRCh37 (hg19) VCF-style: chr2-241658533-G-A.
Other names: c.4828C>T, p.Arg1610Cys (NM_001320705.2, NM_001379649.1); c.4855C>T, p.Arg1619Cys (NM_001330289.2); c.4903C>T, p.Arg1635Cys (NM_001330290.2, NM_001379648.1); c.5179C>T, p.Arg1727Cys (NM_001379631.1); c.5080C>T, p.Arg1694Cys (NM_001379632.1); c.5077C>T, p.Arg1693Cys (NM_001379633.1, NM_001379645.1); c.4930C>T, p.Arg1644Cys (NM_001379634.1); c.4927C>T, p.Arg1643Cys (NM_001379635.1, NM_001379646.1); and 7 more; short protein forms R1619C, R1626C, R1643C, R1693C, R1727C, R1601C, R1639C, R1644C.
Identifiers: ClinVar variation 1441041 (VCV001441041.8), dbSNP rs1434444226, ClinGen allele CA351298403.